The following is an entry in ClinVar:

NM_006767.4(LZTR1):c.1330G>C (p.Asp444His)

Gene: LZTR1 (leucine zipper like post translational regulator 1; plus strand). Cytogenetic location: 22q11.21.
Variant type: single nucleotide variant.
Coding change: c.1330G>C on transcript NM_006767.4 (MANE Select); coding-DNA position 1330, G replaced by C.
Protein change: p.Asp444His; replaces aspartic acid 444 with histidine.
Molecular consequence: missense variant.
Genome position (GRCh38, 1-based): chr22:20,993,731, G>C. VCF-style: chr22-20993731-G-C. GRCh37 (hg19) VCF-style: chr22-21348020-G-C.
Other names: short protein forms D444H.
Identifiers: ClinVar variation 3238058 (VCV003238058.2), dbSNP rs775051211.

ClinVar aggregate classification (germline): Uncertain significance (1 of 4 stars; one submission).

Conditions:
Hereditary cancer-predisposing syndrome. Also called: Neoplastic Syndromes, Hereditary; Tumor predisposition; Hereditary neoplastic syndrome; Hereditary Cancer Syndrome. Identifiers: Orphanet 140162, MedGen C0027672, MeSH D009386, MONDO:0015356.
Cardiovascular phenotype. Identifiers: MedGen CN230736.

Submission:

Ambry Genetics
Classification: Uncertain significance for Cardiovascular phenotype; Hereditary cancer-predisposing syndrome. Last evaluated: 2025-07-15. Review status: criteria provided, single submitter. Criteria: Ambry Variant Classification Scheme 2023. Collection method: clinical testing. Allele origin: germline.
Comment: The p.D444H variant (also known as c.1330G>C), located in coding exon 12 of the LZTR1 gene, results from a G to C substitution at nucleotide position 1330. The aspartic acid at codon 444 is replaced by histidine, an amino acid with similar properties. This amino acid position is highly conserved in available vertebrate species. In addition, this alteration is predicted to be deleterious by in silico analysis. Based on the available evidence, the clinical significance of this variant remains unclear.